The following is an entry in ClinVar:

NM_017514.5(PLXNA3):c.409C>T (p.Arg137Cys)

Gene: PLXNA3 (plexin A3; plus strand). Cytogenetic location: Xq28.
Variant type: single nucleotide variant.
Coding change: c.409C>T on transcript NM_017514.5 (MANE Select); coding-DNA position 409, C replaced by T.
Protein change: p.Arg137Cys; replaces arginine 137 with cysteine.
Molecular consequence: missense variant.
Genome position (GRCh38, 1-based): chrX:154,460,592, C>T. VCF-style: chrX-154460592-C-T. GRCh37 (hg19) VCF-style: chrX-153688932-C-T.
Other names: c.409C>T (NM_017514.3); short protein forms R137C.
Identifiers: ClinVar variation 2635998 (VCV002635998.6), dbSNP rs143244763, ClinGen allele CA10563681.
Genomic context (GRCh38, chrX:154,460,592, plus strand): 5'-CAGGGCATCTGCCAGTTCCTGCGTCTGGACGACCTCTTCAAGCTGGGTGAGCCGCACCAC[C>T]GCAAGGAGCACTACCTGTCGGGGGCCCAGGAGCCCGACTCCATGGCTGGTGTCATTGTGG-3'
Protein context (NP_059984.3, residues 127-147): DLFKLGEPHH[Arg137Cys]KEHYLSGAQE

ClinVar aggregate classification (germline): Uncertain significance. Review status: criteria provided, multiple submitters, no conflicts (2 of 4 stars). 2 submissions from 2 submitters: Uncertain significance (2). Last evaluated 2026-04-02.

Conditions:
PLXNA3-related disorder. Also called: PLXNA3-related condition.

Allele frequency attached by ClinVar (database versions not stated): ExAC 0.00016; TOPMed 0.00023; gnomAD 0.00025; ESP Exome Variant Server 0.00038; 1000 Genomes Project 0.00053; 1000 Genomes Project 30x 0.00062.
gnomAD v4.1: 154 of 1,202,451 alleles (0.013%); highest among the groups gnomAD compares: African/African-American, 0.031%; no homozygotes.

Submissions (2):

PreventionGenetics, part of Exact Sciences
Classification: Uncertain significance for PLXNA3-related condition. Last evaluated: 2026-04-02. Review status: criteria provided, single submitter. Criteria: ACMG Guidelines, 2015. Collection method: clinical testing. Allele origin: germline.
Comment: The PLXNA3 c.409C>T variant is predicted to result in the amino acid substitution p.Arg137Cys. To our knowledge, this variant has not been reported in the literature. This variant is reported in 0.026% of alleles in individuals of African descent in gnomAD, including 8 hemizygotes, which may be too frequent to be a primary cause of disease. Although we suspect that this variant may be benign, at this time, the clinical significance of this variant is uncertain due to the absence of conclusive functional and genetic evidence.

Ambry Genetics
Classification: Uncertain significance. Last evaluated: 2025-11-19. Review status: criteria provided, single submitter. Criteria: Ambry Variant Classification Scheme 2023. Collection method: clinical testing. Allele origin: germline.